The following is an entry in ClinVar:

NM_006531.5(IFT88):c.953T>C (p.Ile318Thr)

Gene: IFT88 (intraflagellar transport 88; plus strand). Cytogenetic location: 13q12.11.
Variant type: single nucleotide variant.
Coding change: c.953T>C on transcript NM_006531.5 (MANE Select); coding-DNA position 953, T replaced by C.
Protein change: p.Ile318Thr; replaces isoleucine 318 with threonine.
Molecular consequence: missense variant. On other transcripts: non-coding transcript variant (5), intron variant (7).
Genome position (GRCh38, 1-based): chr13:20,601,845, T>C. VCF-style: chr13-20601845-T-C. GRCh37 (hg19) VCF-style: chr13-21175984-T-C.
Other names: c.896T>C, p.Ile299Thr (NM_001353575.2, NM_001318491.2, NM_001353573.2); c.320T>C, p.Ile107Thr (NM_001353579.2); c.980T>C, p.Ile327Thr (NM_175605.5, NM_001318493.2, NM_001353565.2 and 2 more transcripts); c.884-6T>C (NM_001353570.2, NM_001353576.2, NM_001353577.2 and 1 more transcripts); c.953T>C, p.Ile318Thr (NM_001353568.2, NM_001353572.2); c.857-6T>C (NM_001353571.2, NM_001353578.2); c.800-6T>C (NM_001353574.2); short protein forms I318T, I327T, I107T, I299T.
Identifiers: ClinVar variation 2856937 (VCV002856937.3), dbSNP rs2548164135, ClinGen allele CA387474789.

ClinVar aggregate classification (germline): Uncertain significance (1 of 4 stars; one submission).

Allele frequency attached by ClinVar (database versions not stated): gnomAD exomes 0.00003.
gnomAD v4.1: 23 of 1,613,460 alleles (0.0014%); highest among the groups gnomAD compares: Non-Finnish European, 0.002%; no homozygotes.

Submission:

Labcorp Genetics (formerly Invitae), Labcorp
Classification: Uncertain significance. Last evaluated: 2023-04-17. Review status: criteria provided, single submitter. Criteria: Invitae Variant Classification Sherloc (09022015). Collection method: clinical testing. Allele origin: germline.
Comment: This sequence change replaces isoleucine, which is neutral and non-polar, with threonine, which is neutral and polar, at codon 327 of the IFT88 protein (p.Ile327Thr). This variant is not present in population databases (gnomAD no frequency). This variant has not been reported in the literature in individuals affected with IFT88-related conditions. An algorithm developed to predict the effect of missense changes on protein structure and function (PolyPhen-2) suggests that this variant is likely to be tolerated. In summary, the available evidence is currently insufficient to determine the role of this variant in disease. Therefore, it has been classified as a Variant of Uncertain Significance.